The following is an entry in ClinVar:

NM_000733.4(CD3E):c.313C>A (p.Pro105Thr)

Gene: CD3E (CD3 epsilon subunit of T-cell receptor complex; plus strand). Cytogenetic location: 11q23.3.
Variant type: single nucleotide variant.
Coding change: c.313C>A on transcript NM_000733.4 (MANE Select); coding-DNA position 313, C replaced by A.
Protein change: p.Pro105Thr; replaces proline 105 with threonine.
Molecular consequence: missense variant.
Genome position (GRCh38, 1-based): chr11:118,312,827, C>A. VCF-style: chr11-118312827-C-A. GRCh37 (hg19) VCF-style: chr11-118183542-C-A.
Other names: short protein forms P105T.
Identifiers: ClinVar variation 1421470 (VCV001421470.8), dbSNP rs1258864566, ClinGen allele CA382782883.

ClinVar aggregate classification (germline): Uncertain significance (1 of 4 stars; one submission).

Conditions:
Immunodeficiency 18 (IMD18). Also called: CD3-EPSILON DEFICIENCY; CD3epsilon deficiency. Identifiers: MedGen C3810127, MONDO:0014278, OMIM 615615.

gnomAD v4.1: 1 of 1,614,124 alleles (0.000062%); highest among the groups gnomAD compares: Non-Finnish European, 0.000085%; no homozygotes.

Submission:

Labcorp Genetics (formerly Invitae), Labcorp
Classification: Uncertain significance for Immunodeficiency 18. Last evaluated: 2021-04-13. Review status: criteria provided, single submitter. Criteria: Invitae Variant Classification Sherloc (09022015). Collection method: clinical testing. Allele origin: germline.
Comment: This variant has not been reported in the literature in individuals with CD3E-related conditions. This variant is not present in population databases (ExAC no frequency). This sequence change replaces proline with threonine at codon 105 of the CD3E protein (p.Pro105Thr). The proline residue is weakly conserved and there is a small physicochemical difference between proline and threonine. Algorithms developed to predict the effect of missense changes on protein structure and function output the following: SIFT: "Deleterious"; PolyPhen-2: "Benign"; Align-GVGD: "Class C0". The threonine amino acid residue is found in multiple mammalian species, suggesting that this missense change does not adversely affect protein function. These predictions have not been confirmed by published functional studies and their clinical significance is uncertain. In summary, the available evidence is currently insufficient to determine the role of this variant in disease. Therefore, it has been classified as a Variant of Uncertain Significance.